The following is an entry in ClinVar:

ClinVar aggregate classification (germline): Conflicting classifications of pathogenicity. Review status: criteria provided, conflicting classifications (1 of 4 stars). 3 submissions from 3 submitters: Uncertain significance (2); Likely benign (1). Last evaluated 2023-08-17.

Conditions:
Short-rib thoracic dysplasia 10 with or without polydactyly (SRTD10). Identifiers: Orphanet 474, MedGen C3810175, MONDO:0014284, OMIM 615630.
Retinitis pigmentosa 71 (RP71). Identifiers: Orphanet 791, MedGen C4225342, MONDO:0014618, OMIM 616394.
Bardet-Biedl syndrome 20. Identifiers: MedGen C4310707, MONDO:0023670, OMIM 619471, MONDO:0014926.

Allele frequency attached by ClinVar (database versions not stated): gnomAD exomes 0.00001 and 0.00004; ExAC 0.00003; TOPMed 0.00016; gnomAD 0.00017 and 0.00018; ESP Exome Variant Server 0.00023.
gnomAD v4.1: 41 of 1,614,144 alleles (0.0025%); highest among the groups gnomAD compares: African/African-American, 0.051%; no homozygotes.

Submissions (3):

Labcorp Genetics (formerly Invitae), Labcorp
Classification: Uncertain significance for Retinitis pigmentosa 71; Short-rib thoracic dysplasia 10 with or without polydactyly. Last evaluated: 2023-08-17. Review status: criteria provided, single submitter. Criteria: Invitae Variant Classification Sherloc (09022015). Collection method: clinical testing. Allele origin: germline.
Comment: This sequence change falls in intron 27 of the IFT172 gene. It does not directly change the encoded amino acid sequence of the IFT172 protein. It affects a nucleotide within the consensus splice site. This variant is present in population databases (rs371847154, gnomAD 0.06%). This variant has not been reported in the literature in individuals affected with IFT172-related conditions. ClinVar contains an entry for this variant (Variation ID: 1036265). Variants that disrupt the consensus splice site are a relatively common cause of aberrant splicing (PMID: 17576681, 9536098). Algorithms developed to predict the effect of sequence changes on RNA splicing suggest that this variant is not likely to affect RNA splicing. In summary, the available evidence is currently insufficient to determine the role of this variant in disease. Therefore, it has been classified as a Variant of Uncertain Significance.

Blueprint Genetics
Classification: Likely benign. Last evaluated: 2022-05-19. Review status: criteria provided, single submitter. Criteria: ACMG Guidelines, 2015. Collection method: clinical testing. Allele origin: germline.

Fulgent Genetics
Classification: Uncertain significance for Short-rib thoracic dysplasia 10 with or without polydactyly; Retinitis pigmentosa 71; Bardet-Biedl syndrome 20. Last evaluated: 2022-03-18. Review status: criteria provided, single submitter. Criteria: ACMG Guidelines, 2015. Collection method: clinical testing. Allele origin: unknown.

Literature cited by the submitters: PubMed 17576681 (cited by Labcorp Genetics (formerly Invitae), Labcorp); PubMed 9536098 (cited by Labcorp Genetics (formerly Invitae), Labcorp).

NM_015662.3(IFT172):c.2976-3C>T

Gene: IFT172 (intraflagellar transport 172; minus strand). Cytogenetic location: 2p23.3.
Variant type: single nucleotide variant.
Coding change: c.2976-3C>T on transcript NM_015662.3 (MANE Select); 3 bases into the intron before coding-DNA position 2976, C replaced by T.
Molecular consequence: intron variant.
Genome position (GRCh38, 1-based): chr2:27,457,979, G>A on the plus strand (C>T on the coding strand, the complement: IFT172 is on the minus strand). VCF-style: chr2-27457979-G-A. GRCh37 (hg19) VCF-style: chr2-27680846-G-A.
Identifiers: ClinVar variation 1036265 (VCV001036265.7), dbSNP rs371847154, ClinGen allele CA1580110.